The following is an entry in ClinVar:

NM_033056.4(PCDH15):c.4557G>C (p.Glu1519Asp)

Gene: PCDH15 (protocadherin related 15; minus strand). Cytogenetic location: 10q21.1.
Variant type: single nucleotide variant.
Coding change: c.4557G>C on transcript NM_033056.4 (MANE Plus Clinical); coding-DNA position 4557, G replaced by C.
Protein change: p.Glu1519Asp; replaces glutamic acid 1519 with aspartic acid.
Molecular consequence: missense variant. On other transcripts: intron variant (8).
Genome position (GRCh38, 1-based): chr10:53,823,169, C>G on the plus strand (G>C on the coding strand, the complement: PCDH15 is on the minus strand). VCF-style: chr10-53823169-C-G. GRCh37 (hg19) VCF-style: chr10-55582929-C-G.
Other names: c.4578G>C, p.Glu1526Asp (NM_001142763.2); c.4563G>C, p.Glu1521Asp (NM_001142764.2); c.4350G>C, p.Glu1450Asp (NM_001142765.2); c.4548G>C, p.Glu1516Asp (NM_001142766.2); c.4437G>C, p.Glu1479Asp (NM_001142767.2); c.4497G>C, p.Glu1499Asp (NM_001142768.2); c.4488G>C, p.Glu1496Asp (NM_001142773.2); c.4491G>C, p.Glu1497Asp (NM_001354404.2); and 6 more; short protein forms E1479D, E1497D, E1516D, E1499D, E1521D, E1526D, E1450D, E1496D.
Identifiers: ClinVar variation 1497069 (VCV001497069.6), dbSNP rs1469870284, ClinGen allele CA376527078.

ClinVar aggregate classification (germline): Uncertain significance (1 of 4 stars; one submission).

Submission:

Labcorp Genetics (formerly Invitae), Labcorp
Classification: Uncertain significance. Last evaluated: 2022-09-07. Review status: criteria provided, single submitter. Criteria: Invitae Variant Classification Sherloc (09022015). Collection method: clinical testing. Allele origin: germline.
Comment: ClinVar contains an entry for this variant (Variation ID: 1497069). In summary, the available evidence is currently insufficient to determine the role of this variant in disease. Therefore, it has been classified as a Variant of Uncertain Significance. Algorithms developed to predict the effect of missense changes on protein structure and function output the following: SIFT: "Tolerated"; PolyPhen-2: "Benign"; Align-GVGD: "Class C0". The aspartic acid amino acid residue is found in multiple mammalian species, which suggests that this missense change does not adversely affect protein function. This variant has not been reported in the literature in individuals affected with PCDH15-related conditions. This variant is not present in population databases (gnomAD no frequency). This sequence change replaces glutamic acid, which is acidic and polar, with aspartic acid, which is acidic and polar, at codon 1519 of the PCDH15 protein (p.Glu1519Asp).